The following is an entry in ClinVar:

ClinVar aggregate classification (germline): Uncertain significance (1 of 4 stars; one submission).

Conditions:
Hereditary cancer-predisposing syndrome. Also called: Neoplastic Syndromes, Hereditary; Tumor predisposition; Hereditary Cancer Syndrome; Hereditary neoplastic syndrome. Identifiers: Orphanet 140162, MedGen C0027672, MeSH D009386, MONDO:0015356.

Submission:

Ambry Genetics
Classification: Uncertain significance for Hereditary cancer-predisposing syndrome. Last evaluated: 2022-06-20. Review status: criteria provided, single submitter. Criteria: Ambry Variant Classification Scheme 2023. Collection method: clinical testing. Allele origin: germline.
Comment: The p.V287I variant (also known as c.859G>A) is located in coding exon 8 of the EPCAM gene. The valine at codon 287 is replaced by isoleucine, an amino acid with highly similar properties. This change occurs in the first base pair of coding exon 8. This amino acid position is conserved. In addition, this alteration is predicted to be tolerated by in silico analysis. Since supporting evidence is limited at this time, the clinical significance of this alteration remains unclear.

NM_002354.3(EPCAM):c.859G>A (p.Val287Ile)

Gene: EPCAM (epithelial cell adhesion molecule; plus strand). Cytogenetic location: 2p21.
Variant type: single nucleotide variant.
Coding change: c.859G>A on transcript NM_002354.3 (MANE Select); coding-DNA position 859, G replaced by A.
Protein change: p.Val287Ile; replaces valine 287 with isoleucine.
Molecular consequence: missense variant.
Genome position (GRCh38, 1-based): chr2:47,385,166, G>A. VCF-style: chr2-47385166-G-A. GRCh37 (hg19) VCF-style: chr2-47612305-G-A.
Other names: short protein forms V287I.
Identifiers: ClinVar variation 1763980 (VCV001763980.2), dbSNP rs1382315044, ClinGen allele CA346725258.